The following is an entry in ClinVar:

ClinVar aggregate classification (germline): Pathogenic (1 of 4 stars; one submission).

Conditions:
Kleefstra syndrome 1 (KLEFS1). Identifiers: Orphanet 261494, MedGen C0795833, MONDO:0027407, OMIM 610253.

Submission:

Labcorp Genetics (formerly Invitae), Labcorp
Classification: Pathogenic for Kleefstra syndrome 1. Last evaluated: 2019-09-06. Review status: criteria provided, single submitter. Criteria: Invitae Variant Classification Sherloc (09022015). Collection method: clinical testing. Allele origin: germline.
Comment: For these reasons, this variant has been classified as Pathogenic. Donor and acceptor splice site variants typically lead to a loss of protein function (PMID: 16199547), and loss-of-function variants in EHMT1 are known to be pathogenic (PMID: 16826528, 19264732). This variant has been observed in individual(s) with clinical features of Kleefstra syndrome (Invitae). In at least one individual the variant was observed to be de novo. This variant is not present in population databases (ExAC no frequency). This sequence change affects an acceptor splice site in intron 17 of the EHMT1 gene. It is expected to disrupt RNA splicing and likely results in an absent or disrupted protein product.

Literature cited by the submitters: PubMed 16199547; PubMed 16826528; PubMed 19264732.

NM_024757.5(EHMT1):c.2608-1G>A

Gene: EHMT1 (euchromatic histone lysine methyltransferase 1; plus strand). Cytogenetic location: 9q34.3.
Variant type: single nucleotide variant.
Coding change: c.2608-1G>A on transcript NM_024757.5 (MANE Select); the canonical splice acceptor site of the intron before coding-DNA position 2608, G replaced by A.
Molecular consequence: splice acceptor variant.
Genome position (GRCh38, 1-based): chr9:137,800,879, G>A. VCF-style: chr9-137800879-G-A. GRCh37 (hg19) VCF-style: chr9-140695331-G-A.
Other names: c.2587-1G>A (NM_001354263.2).
Identifiers: ClinVar variation 939737 (VCV000939737.10), dbSNP rs1588784791, ClinGen allele CA375788682.